The following is an entry in ClinVar:

NM_001430.5(EPAS1):c.865A>G (p.Met289Val)

Gene: EPAS1 (endothelial PAS domain protein 1; plus strand). Cytogenetic location: 2p21.
Variant type: single nucleotide variant.
Coding change: c.865A>G on transcript NM_001430.5 (MANE Select); coding-DNA position 865, A replaced by G.
Protein change: p.Met289Val; replaces methionine 289 with valine.
Molecular consequence: missense variant.
Genome position (GRCh38, 1-based): chr2:46,369,912, A>G. VCF-style: chr2-46369912-A-G. GRCh37 (hg19) VCF-style: chr2-46597051-A-G.
Other names: short protein forms M289V.
Identifiers: ClinVar variation 3221679 (VCV003221679.1), dbSNP rs746764548, ClinGen allele CA1644795.

ClinVar aggregate classification (germline): Uncertain significance (1 of 4 stars; one submission).

Conditions:
Inborn genetic diseases. Identifiers: MedGen C0950123, MeSH D030342.

gnomAD v4.1: 3 of 1,611,602 alleles (0.00019%); highest among the groups gnomAD compares: South Asian, 0.0022%; no homozygotes.

Submission:

Ambry Genetics
Classification: Uncertain significance for Inborn genetic diseases. Last evaluated: 2023-11-14. Review status: criteria provided, single submitter. Criteria: Ambry Variant Classification Scheme 2023. Collection method: clinical testing. Allele origin: germline.
Comment: The p.M289V variant (also known as c.865A>G), located in coding exon 7 of the EPAS1 gene, results from an A to G substitution at nucleotide position 865. The methionine at codon 289 is replaced by valine, an amino acid with highly similar properties. This amino acid position is conserved. In addition, this alteration is predicted to be tolerated by in silico analysis. Since supporting evidence is limited at this time, the clinical significance of this alteration remains unclear.